The following is an entry in ClinVar:

NM_032861.4(SERAC1):c.821T>C (p.Phe274Ser)

Gene: SERAC1 (serine active site containing 1; minus strand). Cytogenetic location: 6q25.3.
Variant type: single nucleotide variant.
Coding change: c.821T>C on transcript NM_032861.4 (MANE Select); coding-DNA position 821, T replaced by C.
Protein change: p.Phe274Ser; replaces phenylalanine 274 with serine.
Molecular consequence: missense variant.
Genome position (GRCh38, 1-based): chr6:158,130,404, A>G on the plus strand (T>C on the coding strand, the complement: SERAC1 is on the minus strand). VCF-style: chr6-158130404-A-G. GRCh37 (hg19) VCF-style: chr6-158551436-A-G.
Other names: short protein forms F274S.
Identifiers: ClinVar variation 1974637 (VCV001974637.2), dbSNP rs1195875932, ClinGen allele CA366260544.

ClinVar aggregate classification (germline): Uncertain significance (1 of 4 stars; one submission).

Conditions:
3-methylglutaconic aciduria with deafness, encephalopathy, and Leigh-like syndrome (MEGDEL). Also called: MEGDEL syndrome; 3-METHYLGLUTACONIC ACIDURIA, TYPE VI; SERAC1 Deficiency. Identifiers: Orphanet 352328, MedGen C4040739, MONDO:0013875, OMIM 614739.

gnomAD v4.1: 11 of 1,595,908 alleles (0.00069%); highest among the groups gnomAD compares: Admixed American, 0.0018%; no homozygotes.

Submission:

Labcorp Genetics (formerly Invitae), Labcorp
Classification: Uncertain significance for 3-methylglutaconic aciduria with deafness, encephalopathy, and Leigh-like syndrome. Last evaluated: 2022-07-04. Review status: criteria provided, single submitter. Criteria: Invitae Variant Classification Sherloc (09022015). Collection method: clinical testing. Allele origin: germline.
Comment: This sequence change replaces phenylalanine, which is neutral and non-polar, with serine, which is neutral and polar, at codon 274 of the SERAC1 protein (p.Phe274Ser). This variant is not present in population databases (gnomAD no frequency). This variant has not been reported in the literature in individuals affected with SERAC1-related conditions. Algorithms developed to predict the effect of missense changes on protein structure and function (SIFT, PolyPhen-2, Align-GVGD) all suggest that this variant is likely to be tolerated. In summary, the available evidence is currently insufficient to determine the role of this variant in disease. Therefore, it has been classified as a Variant of Uncertain Significance.